The following is an entry in ClinVar:

NM_001040108.2(MLH3):c.2328T>C (p.Asn776=)

Gene: MLH3 (mutL homolog 3; minus strand). Cytogenetic location: 14q24.3.
Variant type: single nucleotide variant.
Coding change: c.2328T>C on transcript NM_001040108.2 (MANE Select); coding-DNA position 2328, T replaced by C.
Protein change: p.Asn776=; no amino-acid change (asparagine 776 retained).
Molecular consequence: synonymous variant.
Genome position (GRCh38, 1-based): chr14:75,047,328, A>G on the plus strand (T>C on the coding strand, the complement: MLH3 is on the minus strand). VCF-style: chr14-75047328-A-G. GRCh37 (hg19) VCF-style: chr14-75514031-A-G.
Other names: c.2328T>C, p.Asn776= (NM_014381.3).
Identifiers: ClinVar variation 1137288 (VCV001137288.14), dbSNP rs141970415, ClinGen allele CA263648419.
Genomic context (GRCh38, chr14:75,047,328, plus strand): 5'-GTTCTTGTCCTTCAGCAGAATGTCAGGTTCAACTTGAAGACTGAGATTGGTAGTGACTCC[A>G]TTACTTTCCTCTACTTCTGTATCCAGAGGATTTTCAACCTTCCCATATTGCCTCTTAAAC-3'
Protein context (NP_001035197.1, residues 766-786): NPLDTEVEES[Asn776=]GVTTNLSLQV

ClinVar aggregate classification (germline): Benign/Likely benign. Review status: criteria provided, multiple submitters, no conflicts (2 of 4 stars). 4 submissions from 4 submitters: Benign (1); Likely benign (2). 1 of the submissions does not count toward it. Last evaluated 2026-05-04.

Conditions:
Colorectal cancer, hereditary nonpolyposis, type 7. Identifiers: Orphanet 144, MedGen C1858380, MONDO:0013725, OMIM 614385.
MLH3-related disorder. Also called: MLH3-related condition.

Allele frequency attached by ClinVar (database versions not stated): gnomAD 0.00002 and 0.00003; TOPMed 0.00004; gnomAD exomes 0.00001; ESP Exome Variant Server 0.00008.

Submissions (4):

Myriad Genetics, Inc.
Classification: Benign for Colorectal cancer, hereditary nonpolyposis, type 7. Last evaluated: 2026-05-04. Review status: criteria provided, single submitter. Criteria: Myriad Autosomal Dominant, Autosomal Recessive and X-Linked Classification Criteria (2023). Collection method: clinical testing. Allele origin: unknown.
Comment: This variant is considered benign. This variant is a silent/synonymous amino acid change and it is not expected to impact splicing.

Labcorp Genetics (formerly Invitae), Labcorp
Classification: Likely benign for Colorectal cancer, hereditary nonpolyposis, type 7. Last evaluated: 2025-03-31. Review status: criteria provided, single submitter. Criteria: Invitae Variant Classification Sherloc (09022015). Collection method: clinical testing. Allele origin: germline.

Ambry Genetics
Classification: Likely benign. Last evaluated: 2021-09-09. Review status: criteria provided, single submitter. Criteria: Ambry Variant Classification Scheme 2023. Collection method: clinical testing. Allele origin: germline.

PreventionGenetics, part of Exact Sciences
Classification: Likely benign for MLH3-related condition. Last evaluated: 2022-03-16. Review status: no assertion criteria provided. Collection method: clinical testing. Allele origin: germline. Not counted in ClinVar's aggregate classification.
Comment: This variant is classified as likely benign based on ACMG/AMP sequence variant interpretation guidelines (Richards et al. 2015 PMID: 25741868, with internal and published modifications).